The following is an entry in ClinVar:

ClinVar aggregate classification (germline): Uncertain significance (1 of 4 stars; one submission).

gnomAD v4.1: 3 of 1,614,002 alleles (0.00019%); highest among the groups gnomAD compares: Non-Finnish European, 0.00025%; no homozygotes.

Submission:

Women's Health and Genetics/Laboratory Corporation of America, LabCorp
Classification: Uncertain significance. Last evaluated: 2025-04-22. Review status: criteria provided, single submitter. Criteria: LabCorp Variant Classification Summary - May 2015. Collection method: clinical testing. Allele origin: germline.
Comment: Variant summary: FGF10 c.127G>T (p.Asp43Tyr) results in a non-conservative amino acid change in the encoded protein sequence. Three of five in-silico tools predict a damaging effect of the variant on protein function. The variant was absent in 251308 control chromosomes. The available data on variant occurrences in the general population are insufficient to allow any conclusion about variant significance. To our knowledge, no occurrence of c.127G>T in individuals affected with FGF10-Related Disorders and no experimental evidence demonstrating its impact on protein function have been reported. No submitters have cited clinical-significance assessments for this variant to ClinVar. Based on the evidence outlined above, the variant was classified as uncertain significance.

NM_004465.2(FGF10):c.127G>T (p.Asp43Tyr)

Gene: FGF10 (fibroblast growth factor 10; minus strand). Cytogenetic location: 5p12.
Variant type: single nucleotide variant.
Coding change: c.127G>T on transcript NM_004465.2 (MANE Select); coding-DNA position 127, G replaced by T.
Protein change: p.Asp43Tyr; replaces aspartic acid 43 with tyrosine.
Molecular consequence: missense variant.
Genome position (GRCh38, 1-based): chr5:44,388,556, C>A on the plus strand (G>T on the coding strand, the complement: FGF10 is on the minus strand). VCF-style: chr5-44388556-C-A. GRCh37 (hg19) VCF-style: chr5-44388658-C-A.
Other names: short protein forms D43Y.
Identifiers: ClinVar variation 3896694 (VCV003896694.2).